The following is an entry in ClinVar:

NM_025074.7(FRAS1):c.4670C>T (p.Ser1557Leu)

Gene: FRAS1 (Fraser extracellular matrix complex subunit 1; plus strand). Cytogenetic location: 4q21.21.
Variant type: single nucleotide variant.
Coding change: c.4670C>T on transcript NM_025074.7 (MANE Select); coding-DNA position 4670, C replaced by T.
Protein change: p.Ser1557Leu; replaces serine 1557 with leucine.
Molecular consequence: missense variant.
Genome position (GRCh38, 1-based): chr4:78,421,992, C>T. VCF-style: chr4-78421992-C-T. GRCh37 (hg19) VCF-style: chr4-79343146-C-T.
Other names: c.4670C>T, p.Ser1557Leu (NM_001166133.2); short protein forms S1557L.
Identifiers: ClinVar variation 3373235 (VCV003373235.2).
Genomic context (GRCh38, chr4:78,421,992, plus strand): 5'-GCAAAGTCATGTACCGCCCTCCCCCGGCAGCACCCCACCTCCAGGAGCTCATGGCCTTCT[C>T]GTTCGCTGGTAATGCTCTCCTCTCTGCTTTGAGGCACCCAACTGCTCTCTGTGGCTCTAC-3'
Protein context (NP_079350.5, residues 1547-1567): APHLQELMAF[Ser1557Leu]FAGLPESVKF

ClinVar aggregate classification (germline): Uncertain significance. Review status: criteria provided, multiple submitters, no conflicts (2 of 4 stars). 2 submissions from 2 submitters: Uncertain significance (2). Last evaluated 2025-05-26.

Conditions:
Inborn genetic diseases. Identifiers: MedGen C0950123, MeSH D030342.

gnomAD v4.1: 12 of 1,611,236 alleles (0.00074%); highest among the groups gnomAD compares: Admixed American, 0.012%; no homozygotes.

Submissions (2):

Ambry Genetics
Classification: Uncertain significance for Inborn genetic diseases. Last evaluated: 2025-05-26. Review status: criteria provided, single submitter. Criteria: Ambry Variant Classification Scheme 2023. Collection method: clinical testing. Allele origin: germline.

GeneDx
Classification: Uncertain significance. Last evaluated: 2024-02-27. Review status: criteria provided, single submitter. Criteria: GeneDx Variant Classification Process June 2021. Collection method: clinical testing. Allele origin: germline. Affected: yes.
Comment: In silico analysis supports that this missense variant has a deleterious effect on protein structure/function; Has not been previously published as pathogenic or benign to our knowledge